The following is an entry in ClinVar:

ClinVar aggregate classification (germline): Uncertain significance (1 of 4 stars; one submission).

Conditions:
Combined immunodeficiency due to ORAI1 deficiency. Also called: IMMUNODEFICIENCY 9. Identifiers: Orphanet 169090, Orphanet 317428, MedGen C2748568, MONDO:0013007, OMIM 612782.
Myopathy, tubular aggregate, 2 (TAM2). Identifiers: MedGen C4014557, MONDO:0014383, OMIM 615883.

Submission:

Labcorp Genetics (formerly Invitae), Labcorp
Classification: Uncertain significance for Myopathy, tubular aggregate, 2; Combined immunodeficiency due to ORAI1 deficiency. Last evaluated: 2025-03-28. Review status: criteria provided, single submitter. Criteria: Invitae Variant Classification Sherloc (09022015). Collection method: clinical testing. Allele origin: germline.
Comment: This sequence change replaces lysine, which is basic and polar, with glutamic acid, which is acidic and polar, at codon 204 of the ORAI1 protein (p.Lys204Glu). This variant is not present in population databases (gnomAD no frequency). This variant has not been reported in the literature in individuals affected with ORAI1-related conditions. Experimental studies and prediction algorithms are not available or were not evaluated, and the functional significance of this variant is currently unknown. In summary, the available evidence is currently insufficient to determine the role of this variant in disease. Therefore, it has been classified as a Variant of Uncertain Significance.

NC_000012.12:g.121641347A>G

Gene: ORAI1 (ORAI calcium release-activated calcium modulator 1; plus strand). Cytogenetic location: 12q24.31.
Variant type: single nucleotide variant.
Molecular consequence: non-coding transcript variant (on NR_186857.1).
Genome position: GRCh38 VCF-style: chr12-121641347-A-G. GRCh37 (hg19) VCF-style: chr12-122079253-A-G.
Identifiers: ClinVar variation 4790522 (VCV004790522.1).